The following is an entry in ClinVar:

ClinVar aggregate classification (germline): Uncertain significance. Review status: criteria provided, multiple submitters, no conflicts (2 of 4 stars). 4 submissions from 4 submitters: Uncertain significance (3). 1 of the submissions does not count toward it. Last evaluated 2025-03-11.

Conditions:
SLC37A4-related disorder. Also called: SLC37A4-related condition.
Glucose-6-phosphate transport defect (GSD1B). Also called: Glycogen Storage Disease Type Ib; GSD Ib. Identifiers: Orphanet 364, Orphanet 79259, MedGen C0268146, MONDO:0009288, OMIM 232220.
Congenital disorder of glycosylation, type IIw. Identifiers: MedGen C5561986, MONDO:0030437, OMIM 619525.
Phosphate transport defect (GSD1C). Also called: GSD Ic; GLYCOGEN STORAGE DISEASE Ic. Identifiers: Orphanet 364, Orphanet 79259, MedGen C0342749, OMIM 232240.

Submissions (4):

Labcorp Genetics (formerly Invitae), Labcorp
Classification: Uncertain significance for Glucose-6-phosphate transport defect. Last evaluated: 2025-03-11. Review status: criteria provided, single submitter. Criteria: Invitae Variant Classification Sherloc (09022015). Collection method: clinical testing. Allele origin: germline.
Comment: This sequence change replaces glycine, which is neutral and non-polar, with arginine, which is basic and polar, at codon 5 of the SLC37A4 protein (p.Gly5Arg). This variant is present in population databases (no rsID available, gnomAD 0.004%). This variant has not been reported in the literature in individuals affected with SLC37A4-related conditions. ClinVar contains an entry for this variant (Variation ID: 1044548). Invitae Evidence Modeling of protein sequence and biophysical properties (such as structural, functional, and spatial information, amino acid conservation, physicochemical variation, residue mobility, and thermodynamic stability) indicates that this missense variant is not expected to disrupt SLC37A4 protein function with a negative predictive value of 80%. In summary, the available evidence is currently insufficient to determine the role of this variant in disease. Therefore, it has been classified as a Variant of Uncertain Significance.

Blueprint Genetics
Classification: Uncertain significance. Last evaluated: 2024-11-13. Review status: criteria provided, single submitter. Criteria: ACMG Guidelines, 2015. Collection method: clinical testing. Allele origin: germline.

Fulgent Genetics
Classification: Uncertain significance for Glucose-6-phosphate transport defect; Phosphate transport defect; Congenital disorder of glycosylation, type IIw. Last evaluated: 2022-01-20. Review status: criteria provided, single submitter. Criteria: ACMG Guidelines, 2015. Collection method: clinical testing. Allele origin: unknown.

PreventionGenetics, part of Exact Sciences
Classification: Uncertain significance for SLC37A4-related condition. Last evaluated: 2024-06-19. Review status: no assertion criteria provided. Collection method: clinical testing. Allele origin: germline. Not counted in ClinVar's aggregate classification.
Comment: The SLC37A4 c.13G>C variant is predicted to result in the amino acid substitution p.Gly5Arg. To our knowledge, this variant has not been reported in the literature. This variant is reported in 0.0044% of alleles in individuals of European (Non-Finnish) descent in gnomAD. At this time, the clinical significance of this variant is uncertain due to the absence of conclusive functional and genetic evidence.

NM_001164277.2(SLC37A4):c.13G>C (p.Gly5Arg)

Gene: SLC37A4 (solute carrier family 37 member 4; minus strand). Cytogenetic location: 11q23.3.
Variant type: single nucleotide variant.
Coding change: c.13G>C on transcript NM_001164277.2 (MANE Select); coding-DNA position 13, G replaced by C.
Protein change: p.Gly5Arg; replaces glycine 5 with arginine.
Molecular consequence: missense variant. On other transcripts: intron variant (1).
Genome position (GRCh38, 1-based): chr11:119,029,357, C>G on the plus strand (G>C on the coding strand, the complement: SLC37A4 is on the minus strand). VCF-style: chr11-119029357-C-G. GRCh37 (hg19) VCF-style: chr11-118900067-C-G.
Other names: c.13G>C, p.Gly5Arg (NM_001164278.2, NM_001164280.2, NM_001467.6); c.-172+35G>C (NM_001164279.2); c.13G>C (NM_001164277.1); short protein forms G5R.
Identifiers: ClinVar variation 1044548 (VCV001044548.8), dbSNP rs571267951, ClinGen allele CA382909264.
Genomic context (GRCh38, chr11:119,029,357, plus strand): 5'-AATACAGGCTGTAGCCCCCAAACATGGCTGAGAAGATCACAGTGCGATAATAGCCATAGC[C>G]CTGGGCTGCCATGGTAGAAAAGAGCAGGCCCTACCAGCCAAGACGCACAGCCTCTGACCA-3'
Protein context (NP_001157749.1, residues 1-15): MAAQ[Gly5Arg]YGYYRTVIFS